The following is an entry in ClinVar:

ClinVar aggregate classification (germline): Likely benign (1 of 4 stars; one submission).

Submission:

CeGaT Center for Human Genetics Tuebingen
Classification: Likely benign. Last evaluated: 2023-07-01. Review status: criteria provided, single submitter. Criteria: CeGaT Center For Human Genetics Tuebingen Variant Classification Criteria Version 2. Collection method: clinical testing. Allele origin: germline. Affected: yes. Observed: 1 variant allele.
Comment: SORD: PM2:Supporting, BP4, BP7

NM_003104.6(SORD):c.1053C>T (p.Asp351=)

Gene: SORD (sorbitol dehydrogenase; plus strand). Cytogenetic location: 15q21.1.
Variant type: single nucleotide variant.
Coding change: c.1053C>T on transcript NM_003104.6 (MANE Select); coding-DNA position 1053, C replaced by T.
Protein change: p.Asp351=; no amino-acid change (aspartic acid 351 retained).
Molecular consequence: synonymous variant. On other transcripts: non-coding transcript variant (1).
Genome position (GRCh38, 1-based): chr15:45,073,509, C>T. VCF-style: chr15-45073509-C-T. GRCh37 (hg19) VCF-style: chr15-45365707-C-T.
Identifiers: ClinVar variation 2578733 (VCV002578733.25), dbSNP rs774495383, ClinGen allele CA490212397.